The following is an entry in ClinVar:

NM_015450.3(POT1):c.867A>C (p.Lys289Asn)

Gene: POT1 (protection of telomeres 1; minus strand). Cytogenetic location: 7q31.33.
Variant type: single nucleotide variant.
Coding change: c.867A>C on transcript NM_015450.3 (MANE Select); coding-DNA position 867, A replaced by C.
Protein change: p.Lys289Asn; replaces lysine 289 with asparagine.
Molecular consequence: missense variant. On other transcripts: non-coding transcript variant (3).
Genome position (GRCh38, 1-based): chr7:124,852,974, T>G on the plus strand (A>C on the coding strand, the complement: POT1 is on the minus strand). VCF-style: chr7-124852974-T-G. GRCh37 (hg19) VCF-style: chr7-124493028-T-G.
Other names: c.474A>C, p.Lys158Asn (NM_001042594.2); short protein forms K158N, K289N.
Identifiers: ClinVar variation 3423125 (VCV003423125.1).

ClinVar aggregate classification (germline): Uncertain significance (1 of 4 stars; one submission).

Conditions:
Hereditary cancer-predisposing syndrome. Also called: Neoplastic Syndromes, Hereditary; Tumor predisposition; Hereditary Cancer Syndrome; Hereditary neoplastic syndrome. Identifiers: Orphanet 140162, MedGen C0027672, MeSH D009386, MONDO:0015356.

Submission:

Ambry Genetics
Classification: Uncertain significance for Hereditary cancer-predisposing syndrome. Last evaluated: 2024-09-09. Review status: criteria provided, single submitter. Criteria: Ambry Variant Classification Scheme 2023. Collection method: clinical testing. Allele origin: germline.
Comment: The p.K289N variant (also known as c.867A>C), located in coding exon 6 of the POT1 gene, results from an A to C substitution at nucleotide position 867. The lysine at codon 289 is replaced by asparagine, an amino acid with similar properties. This amino acid position is conserved. In addition, this alteration is predicted to be tolerated by in silico analysis. Based on the available evidence, the clinical significance of this variant remains unclear.